The following is an entry in ClinVar:

ClinVar aggregate classification (germline): Uncertain significance (1 of 4 stars; one submission).

Conditions:
Intellectual developmental disorder, autosomal recessive 71. Also called: MENTAL RETARDATION, AUTOSOMAL RECESSIVE 71. Identifiers: MedGen C5193133, MONDO:0032789, OMIM 618504.

Submission:

Institute of Human Genetics, University of Leipzig Medical Center
Classification: Uncertain significance for Intellectual developmental disorder, autosomal recessive 71. Last evaluated: 2023-09-22. Review status: criteria provided, single submitter. Criteria: ACMG Guidelines, 2015. Collection method: clinical testing. Allele origin: unknown. Inheritance: Autosomal recessive inheritance. Affected: yes.
Comment: Criteria applied: PVS1_STR,PM2_SUP; del-ins

NM_138775.3(ALKBH8):c.1369_1379delinsTCA (p.Val457fs)

Gene: ALKBH8 (alkB homolog 8, tRNA methyltransferase; minus strand). Cytogenetic location: 11q22.3.
Variant type: Indel.
Coding change: c.1369_1379delinsTCA on transcript NM_138775.3 (MANE Select); coding-DNA positions 1369 to 1379, GTACCAGTCCG replaced by TCA.
Protein change: p.Val457fs; shifts the reading frame from valine 457.
Molecular consequence: frameshift variant. On other transcripts: non-coding transcript variant (4), intron variant (1).
Genome position (GRCh38, 1-based): chr11:107,510,945-107,510,955, CGGACTGGTAC replaced by TGA on the plus strand (GTACCAGTCCG replaced by TCA on the coding strand, the reverse complement: ALKBH8 is on the minus strand). VCF-style: chr11-107510945-CGGACTGGTAC-TGA. GRCh37 (hg19) VCF-style: chr11-107381671-CGGACTGGTAC-TGA.
Other names: c.1369_1379delinsTCA, p.Val457fs (NM_001301010.3); c.1288-5740_1288-5730delinsTCA (NM_001378133.1); short protein forms V457fs.
Identifiers: ClinVar variation 2627594 (VCV002627594.2), dbSNP rs2496331635, ClinGen allele CA2582342462.